The following is an entry in ClinVar:

ClinVar aggregate classification (germline): Uncertain significance (1 of 4 stars; one submission).

Submission:

GeneDx
Classification: Uncertain significance. Last evaluated: 2019-04-09. Review status: criteria provided, single submitter. Criteria: GeneDx Variant Classification Process June 2021. Collection method: clinical testing. Allele origin: germline. Affected: yes.
Comment: Not observed in large population cohorts (Lek et al., 2016); In silico analysis, which includes protein predictors and evolutionary conservation, supports that this variant does not alter protein structure/function; Has not been previously published as pathogenic or benign to our knowledge

NM_000836.4(GRIN2D):c.250G>C (p.Val84Leu)

Gene: GRIN2D (glutamate ionotropic receptor NMDA type subunit 2D; plus strand). Cytogenetic location: 19q13.33.
Variant type: single nucleotide variant.
Coding change: c.250G>C on transcript NM_000836.4 (MANE Select); coding-DNA position 250, G replaced by C.
Protein change: p.Val84Leu; replaces valine 84 with leucine.
Molecular consequence: missense variant.
Genome position (GRCh38, 1-based): chr19:48,398,642, G>C. VCF-style: chr19-48398642-G-C. GRCh37 (hg19) VCF-style: chr19-48901899-G-C.
Other names: short protein forms V84L.
Identifiers: ClinVar variation 1305038 (VCV001305038.2), dbSNP rs1003760039, ClinGen allele CA406688688.